The following is an entry in ClinVar:

NM_005591.4(MRE11):c.496C>G (p.Pro166Ala)

Gene: MRE11 (MRE11 double strand break repair nuclease; minus strand). Cytogenetic location: 11q21.
Variant type: single nucleotide variant.
Coding change: c.496C>G on transcript NM_005591.4 (MANE Select); coding-DNA position 496, C replaced by G.
Protein change: p.Pro166Ala; replaces proline 166 with alanine.
Molecular consequence: missense variant.
Genome position (GRCh38, 1-based): chr11:94,478,783, G>C on the plus strand (C>G on the coding strand, the complement: MRE11 is on the minus strand). VCF-style: chr11-94478783-G-C. GRCh37 (hg19) VCF-style: chr11-94211949-G-C.
Other names: c.496C>G, p.Pro166Ala (NM_001330347.2, NM_005590.4); short protein forms P166A.
Identifiers: ClinVar variation 142841 (VCV000142841.3), dbSNP rs587782758, ClinGen allele CA169549.

ClinVar aggregate classification (germline): Uncertain significance (1 of 4 stars; one submission).

Conditions:
Hereditary cancer-predisposing syndrome. Also called: Hereditary Cancer Syndrome; Neoplastic Syndromes, Hereditary; Hereditary neoplastic syndrome; Tumor predisposition. Identifiers: Orphanet 140162, MedGen C0027672, MeSH D009386, MONDO:0015356.

Submission:

Ambry Genetics
Classification: Uncertain significance for Hereditary cancer-predisposing syndrome. Last evaluated: 2014-04-24. Review status: criteria provided, single submitter. Criteria: Ambry Autosomal Dominant and X-Linked criteria (10/2015). Collection method: clinical testing. Allele origin: germline. Observed: 1 variant allele.
Comment: Ã¢â‚¬â€¹The p.P166A variant (also known as c.496C>G), located in coding exon 5 of the MRE11A gene, results from a C to G substitution at nucleotide position 496. The proline at codon 166 is replaced by alanine, an amino acid with highly similar properties. This variant was not reported in population based cohorts in the following databases: Database of Single Nucleotide Polymorphisms (dbSNP), NHLBI Exome Sequencing Project (ESP), and 1000 Genomes Project. To date, this alteration has been detected with an allele frequency of approximately 0.006% (greater than 15000 alleles tested) in our clinical cohort (includes this individual). This amino acid position is highly conserved in available vertebrate species. In addition, this alteration is predicted to be benign and deleterious by PolyPhen and SIFT in silico analyses, respectively. Since supporting evidence is limited at this time, the clinical significance of p.P166A remains unclear.